The following is an entry in ClinVar:

ClinVar aggregate classification (germline): Uncertain significance. Review status: criteria provided, multiple submitters, no conflicts (2 of 4 stars). 2 submissions from 2 submitters: Uncertain significance (2). Last evaluated 2025-08-03.

Conditions:
RASopathy. Also called: Noonan spectrum disorder; rasopathies. Identifiers: Orphanet 536391, MedGen C5555857, MONDO:0021060.
Cardiovascular phenotype. Identifiers: MedGen CN230736.

Submissions (2):

Labcorp Genetics (formerly Invitae), Labcorp
Classification: Uncertain significance for RASopathy. Last evaluated: 2025-08-03. Review status: criteria provided, single submitter. Criteria: Invitae Variant Classification Sherloc (09022015). Collection method: clinical testing. Allele origin: germline.
Comment: This sequence change replaces leucine, which is neutral and non-polar, with phenylalanine, which is neutral and non-polar, at codon 654 of the CBL protein (p.Leu654Phe). This variant is not present in population databases (gnomAD no frequency). This variant has not been reported in the literature in individuals affected with CBL-related conditions. ClinVar contains an entry for this variant (Variation ID: 1351827). Invitae Evidence Modeling of protein sequence and biophysical properties (such as structural, functional, and spatial information, amino acid conservation, physicochemical variation, residue mobility, and thermodynamic stability) indicates that this missense variant is not expected to disrupt CBL protein function with a negative predictive value of 95%. In summary, the available evidence is currently insufficient to determine the role of this variant in disease. Therefore, it has been classified as a Variant of Uncertain Significance.

Ambry Genetics
Classification: Uncertain significance for Cardiovascular phenotype. Last evaluated: 2025-03-25. Review status: criteria provided, single submitter. Criteria: Ambry Variant Classification Scheme 2023. Collection method: clinical testing. Allele origin: germline.
Comment: The p.L654F variant (also known as c.1962A>T), located in coding exon 12 of the CBL gene, results from an A to T substitution at nucleotide position 1962. The leucine at codon 654 is replaced by phenylalanine, an amino acid with highly similar properties. This amino acid position is conserved. In addition, this alteration is predicted to be tolerated by in silico analysis. Based on the available evidence, the clinical significance of this variant remains unclear.

NM_005188.4(CBL):c.1962A>T (p.Leu654Phe)

Gene: CBL (Cbl proto-oncogene; plus strand). Cytogenetic location: 11q23.3.
Variant type: single nucleotide variant.
Coding change: c.1962A>T on transcript NM_005188.4 (MANE Select); coding-DNA position 1962, A replaced by T.
Protein change: p.Leu654Phe; replaces leucine 654 with phenylalanine.
Molecular consequence: missense variant.
Genome position (GRCh38, 1-based): chr11:119,287,872, A>T. VCF-style: chr11-119287872-A-T. GRCh37 (hg19) VCF-style: chr11-119158582-A-T.
Other names: c.1962A>T (NM_005188.2); short protein forms L654F.
Identifiers: ClinVar variation 1351827 (VCV001351827.9), dbSNP rs727502915, ClinGen allele CA382922293.